The following is an entry in ClinVar:

ClinVar aggregate classification (germline): Uncertain significance (1 of 4 stars; one submission).

Conditions:
ADCY3-related disorder. Also called: ADCY3-related condition.

Submission:

PreventionGenetics, part of Exact Sciences
Classification: Uncertain significance for ADCY3-related condition. Last evaluated: 2025-03-23. Review status: criteria provided, single submitter. Criteria: ACMG Guidelines, 2015. Collection method: clinical testing. Allele origin: germline.
Comment: The ADCY3 c.350T>C variant is predicted to result in the amino acid substitution p.Leu117Ser. To our knowledge, this variant has not been reported in the literature or in a large population database (gnomAD), indicating this variant is rare. At this time, the clinical significance of this variant is uncertain due to the absence of conclusive functional and genetic evidence.

NM_004036.5(ADCY3):c.350T>C (p.Leu117Ser)

Gene: ADCY3 (adenylate cyclase 3; minus strand). Cytogenetic location: 2p23.3.
Variant type: single nucleotide variant.
Coding change: c.350T>C on transcript NM_004036.5 (MANE Select); coding-DNA position 350, T replaced by C.
Protein change: p.Leu117Ser; replaces leucine 117 with serine.
Molecular consequence: missense variant.
Genome position (GRCh38, 1-based): chr2:24,918,638, A>G on the plus strand (T>C on the coding strand, the complement: ADCY3 is on the minus strand). VCF-style: chr2-24918638-A-G. GRCh37 (hg19) VCF-style: chr2-25141507-A-G.
Other names: c.350T>C, p.Leu117Ser (NM_001320613.2, NM_001377128.1, NM_001377129.1 and 2 more transcripts); short protein forms L117S.
Identifiers: ClinVar variation 5001386 (VCV005001386.1).